The following is an entry in ClinVar:

NM_003737.4(DCHS1):c.9617C>T (p.Thr3206Ile)

Gene: DCHS1 (dachsous cadherin-related 1; minus strand). Cytogenetic location: 11p15.4.
Variant type: single nucleotide variant.
Coding change: c.9617C>T on transcript NM_003737.4 (MANE Select); coding-DNA position 9617, C replaced by T.
Protein change: p.Thr3206Ile; replaces threonine 3206 with isoleucine.
Molecular consequence: missense variant.
Genome position (GRCh38, 1-based): chr11:6,622,059, G>A on the plus strand (C>T on the coding strand, the complement: DCHS1 is on the minus strand). VCF-style: chr11-6622059-G-A. GRCh37 (hg19) VCF-style: chr11-6643290-G-A.
Other names: short protein forms T3206I.
Identifiers: ClinVar variation 1302489 (VCV001302489.12), dbSNP rs200088487, ClinGen allele CA5859214.
Genomic context (GRCh38, chr11:6,622,059, plus strand): 5'-GCTGCAGCTGTGTTTGCTGGCTTGGGGGGCACAGACTTGGCTCCTGGGTGGGCCACGGCA[G>A]TGATGAGGGGTGGTGGGTCGATACGGGGAGCTGGGGGACATGGCCGAGCTTCATCCTTGA-3'
Protein context (NP_003728.1, residues 3196-3216): APRIDPPPLI[Thr3206Ile]AVAHPGAKSV

ClinVar aggregate classification (germline): Uncertain significance. Review status: criteria provided, multiple submitters, no conflicts (2 of 4 stars). 3 submissions from 3 submitters: Uncertain significance (3). Last evaluated 2026-06-01.

Allele frequency attached by ClinVar (database versions not stated): ExAC 0.00010; gnomAD 0.00010; TOPMed 0.00011; gnomAD exomes 0.00012 and 0.00039; 1000 Genomes Project 30x 0.00016; 1000 Genomes Project 0.00020; ESP Exome Variant Server 0.00023.
gnomAD v4.1: 569 of 1,612,218 alleles (0.035%); highest among the groups gnomAD compares: Non-Finnish European, 0.047%; no homozygotes.

Submissions (3):

CeGaT Center for Human Genetics Tuebingen
Classification: Uncertain significance. Last evaluated: 2026-06-01. Review status: criteria provided, single submitter. Criteria: CeGaT Center For Human Genetics Tuebingen Variant Classification Criteria Version 2. Collection method: clinical testing. Allele origin: germline. Affected: yes. Observed: 1 variant allele.
Comment: DCHS1: PM2

Labcorp Genetics (formerly Invitae), Labcorp
Classification: Uncertain significance. Last evaluated: 2026-01-25. Review status: criteria provided, single submitter. Criteria: Invitae Variant Classification Sherloc (09022015). Collection method: clinical testing. Allele origin: germline.
Comment: This sequence change replaces threonine, which is neutral and polar, with isoleucine, which is neutral and non-polar, at codon 3206 of the DCHS1 protein (p.Thr3206Ile). This variant is present in population databases (rs200088487, gnomAD 0.02%). This variant has not been reported in the literature in individuals affected with DCHS1-related conditions. ClinVar contains an entry for this variant (Variation ID: 1302489). An algorithm developed to predict the effect of missense changes on protein structure and function (PolyPhen-2) suggests that this variant is likely to be disruptive. In summary, the available evidence is currently insufficient to determine the role of this variant in disease. Therefore, it has been classified as a Variant of Uncertain Significance.

GeneDx
Classification: Uncertain significance. Last evaluated: 2022-02-19. Review status: criteria provided, single submitter. Criteria: GeneDx Variant Classification Process June 2021. Collection method: clinical testing. Allele origin: germline. Affected: yes.
Comment: In silico analysis supports that this missense variant has a deleterious effect on protein structure/function; Has not been previously published as pathogenic or benign to our knowledge